The following is an entry in ClinVar:

ClinVar aggregate classification (germline): Likely pathogenic. Review status: criteria provided, single submitter (1 of 4 stars). 2 submissions from 2 submitters: Likely pathogenic (1). 1 of the submissions does not count toward it. Last evaluated 2016-07-29.

Conditions:
Combined immunodeficiency due to DOCK8 deficiency (HIES2). Also called: HYPER-IgE SYNDROME 2, AUTOSOMAL RECESSIVE, WITH RECURRENT INFECTIONS; HYPER-IgE RECURRENT INFECTION SYNDROME 2, AUTOSOMAL RECESSIVE; DOCK8 Deficiency; Hyper-IgE recurrent infection syndrome, autosomal recessive; HIES autosomal recessive. Identifiers: Orphanet 217390, MedGen C4722305, MONDO:0009478, OMIM 243700.

Submissions (2):

GeneDx
Classification: Likely pathogenic. Last evaluated: 2016-07-29. Review status: criteria provided, single submitter. Criteria: GeneDx Variant Classification (06012015). Collection method: clinical testing. Allele origin: germline. Affected: yes.
Comment: The c.678dupA variant in the DOCK8 gene causes a frameshift starting with codon Glutamic acid 227, changes this amino acid to an Arginine residue and creates a premature Stop codon at position 12 of the new reading frame, denoted p.Glu227ArgfsX12. This variant is predicted to cause loss of normal protein function either through protein truncation or nonsense-mediated mRNA decay. It was not observed in approximately 6,500 individuals of European and African American ancestry in the NHLBI Exome Sequencing Project, indicating it is not a common benign variant in these populations. Therefore, this variant is likely pathogenic.

Biochemical Molecular Genetic Laboratory, King Abdulaziz Medical City
Classification: Likely pathogenic for Combined immunodeficiency due to DOCK8 deficiency. Last evaluated: 2019-08-25. Review status: no assertion criteria provided. Collection method: clinical testing. Allele origin: germline. Affected: yes. Not counted in ClinVar's aggregate classification.

NM_203447.4(DOCK8):c.882dup (p.Glu295fs)

Gene: DOCK8 (dedicator of cytokinesis 8; plus strand). Cytogenetic location: 9p24.3.
Variant type: Duplication.
Coding change: c.882dup on transcript NM_203447.4 (MANE Select); coding-DNA position 882, one base duplicated (A; older notation c.882dupA).
Protein change: p.Glu295fs; shifts the reading frame from glutamic acid 295.
Molecular consequence: frameshift variant.
Genome position (GRCh38, 1-based): chr9:325,725, A duplicated; the last of 3 consecutive A bases (chr9:325,723-325,725); duplicating any one gives the same sequence. VCF-style (leftmost placement, unchanged base first): chr9-325722-T-TA. GRCh37 (hg19) VCF-style: chr9-325722-T-TA.
Other names: c.678dup, p.Glu227fs (NM_001190458.2, NM_001193536.2); c.882dupA (NM_203447.3); short protein forms E227fs, E295fs.
Identifiers: ClinVar variation 421576 (VCV000421576.3), dbSNP rs1554668061, ClinGen allele CA16618847.